The following is an entry in ClinVar:

NM_003072.5(SMARCA4):c.3603dup (p.Leu1202fs)

Gene: SMARCA4 (SWI/SNF related BAF chromatin remodeling complex subunit ATPase 4; plus strand). Cytogenetic location: 19p13.2.
Variant type: Duplication.
Coding change: c.3603dup on transcript NM_003072.5 (MANE Select); coding-DNA position 3603, one base duplicated (G; older notation c.3603dupG).
Protein change: p.Leu1202fs; shifts the reading frame from leucine 1202.
Molecular consequence: frameshift variant. On other transcripts: non-coding transcript variant (1).
Genome position (GRCh38, 1-based): chr19:11,033,346, G duplicated. VCF-style (leftmost placement, unchanged base first): chr19-11033345-T-TG. GRCh37 (hg19) VCF-style: chr19-11144021-T-TG.
Other names: c.3603dup, p.Leu1202fs (NM_001128844.3, NM_001128845.2, NM_001128846.2 and 5 more transcripts); c.3603dup, p.Leu1202Alafs (NM_001411150.1); short protein forms L1202fs.
Identifiers: ClinVar variation 2134976 (VCV002134976.4), dbSNP rs2515280406, ClinGen allele CA2580096274.

ClinVar aggregate classification (germline): Pathogenic (1 of 4 stars; one submission).

Conditions:
Rhabdoid tumor predisposition syndrome 2 (RTPS2). Identifiers: Orphanet 231108, Orphanet 69077, MedGen C2750074, MONDO:0013224, OMIM 613325.

Submission:

Labcorp Genetics (formerly Invitae), Labcorp
Classification: Pathogenic for Rhabdoid tumor predisposition syndrome 2. Last evaluated: 2023-09-09. Review status: criteria provided, single submitter. Criteria: Invitae Variant Classification Sherloc (09022015). Collection method: clinical testing. Allele origin: germline.
Comment: For these reasons, this variant has been classified as Pathogenic. ClinVar contains an entry for this variant (Variation ID: 2134976). This variant has not been reported in the literature in individuals affected with SMARCA4-related conditions. This variant is not present in population databases (gnomAD no frequency). This sequence change creates a premature translational stop signal (p.Leu1202Alafs*41) in the SMARCA4 gene. It is expected to result in an absent or disrupted protein product. Loss-of-function variants in SMARCA4 are known to be pathogenic (PMID: 24658001, 24658002).

Literature cited by the submitters: PubMed 24658001; PubMed 24658002.